The following is an entry in ClinVar:

ClinVar aggregate classification (germline): Uncertain significance. Review status: criteria provided, multiple submitters, no conflicts (2 of 4 stars). 2 submissions from 2 submitters: Uncertain significance (2). Last evaluated 2024-11-15.

Conditions:
NPHP1-related disorder. Also called: NPHP1-related condition; NPHP1-related disorders.
Nephronophthisis. Also called: Juvenile Nephronophthisis. Identifiers: Orphanet 655, MedGen C0687120, MONDO:0019005, HP:0000090.

Submissions (2):

PreventionGenetics, part of Exact Sciences
Classification: Uncertain significance for NPHP1-related condition. Last evaluated: 2024-11-15. Review status: criteria provided, single submitter. Criteria: ACMG Guidelines, 2015. Collection method: clinical testing. Allele origin: germline.
Comment: The NPHP1 c.539T>C variant is predicted to result in the amino acid substitution p.Leu180Pro. This variant has been reported along with a second NPHP1 variant in an individual with nephronophthisis (Saunier et al. 2000. PubMed ID: 10712196; Caridi et al. 2006. PubMed ID: 16762963). An in vitro functional study using site directed mutagenesis in E. coli demonstrated a complete loss of tertiary structure due to destabilization of the SH3 domain fold (le Maire et al. 2005. PubMed ID: 15723349). Another functional study using HEK293T cells showed decreased interaction of nephrocystin-1/PALS1 (Delous et al. 2009. PubMed ID: 19755384). This variant has not been reported in a large population database (gnomAD), indicating this variant is rare. Although we suspect that this variant may be pathogenic, at this time, the clinical significance of this variant is uncertain due to the absence of conclusive functional and genetic evidence.

Labcorp Genetics (formerly Invitae), Labcorp
Classification: Uncertain significance for Nephronophthisis. Last evaluated: 2022-05-03. Review status: criteria provided, single submitter. Criteria: Invitae Variant Classification Sherloc (09022015). Collection method: clinical testing. Allele origin: germline.
Comment: This sequence change replaces leucine, which is neutral and non-polar, with proline, which is neutral and non-polar, at codon 180 of the NPHP1 protein (p.Leu180Pro). This variant is not present in population databases (gnomAD no frequency). This missense change has been observed in individual(s) with nephronopthisis (PMID: 10712196, 16762963). Algorithms developed to predict the effect of missense changes on protein structure and function are either unavailable or do not agree on the potential impact of this missense change (SIFT: "Tolerated"; PolyPhen-2: "Possibly Damaging"; Align-GVGD: "Class C0"). Experimental studies have shown that this missense change affects NPHP1 function (PMID: 19755384). In summary, the available evidence is currently insufficient to determine the role of this variant in disease. Therefore, it has been classified as a Variant of Uncertain Significance.

Literature cited by the submitters: PubMed 10712196 (cited by Labcorp Genetics (formerly Invitae), Labcorp); PubMed 16762963 (cited by Labcorp Genetics (formerly Invitae), Labcorp); PubMed 19755384 (cited by Labcorp Genetics (formerly Invitae), Labcorp).

NM_001128178.3(NPHP1):c.539T>C (p.Leu180Pro)

Gene: NPHP1 (nephrocystin 1; minus strand). Cytogenetic location: 2q13.
Variant type: single nucleotide variant.
Coding change: c.539T>C on transcript NM_001128178.3 (MANE Select); coding-DNA position 539, T replaced by C.
Protein change: p.Leu180Pro; replaces leucine 180 with proline.
Molecular consequence: missense variant.
Genome position (GRCh38, 1-based): chr2:110,168,537, A>G on the plus strand (T>C on the coding strand, the complement: NPHP1 is on the minus strand). VCF-style: chr2-110168537-A-G. GRCh37 (hg19) VCF-style: chr2-110926114-A-G.
Other names: c.539T>C, p.Leu180Pro (NM_000272.5, NM_001374256.1, NM_001374257.1 and 1 more transcripts); c.353T>C, p.Leu118Pro (NM_001128179.3); c.539T>C (NM_000272.3); short protein forms L118P, L180P.
Identifiers: ClinVar variation 2203130 (VCV002203130.2), dbSNP rs2467395081, ClinGen allele CA348092723.
Genomic context (GRCh38, chr2:110,168,537, plus strand): 5'-CCTTCATTTCCTTTGGCATCCTTAGCTATCCACCAACCATCAGGTTTTTTTTCAATTACA[A>G]GGAGAATTTCCCCTTTCTTAAAGCAAAACAAAGTAAACCATTTTAAATAAAATTCAATAA-3'
Protein context (NP_001121650.1, residues 170-190): DLTFKKGEIL[Leu180Pro]VIEKKPDGWW